The following is an entry in ClinVar:

NM_194277.3(FRMD7):c.1377A>G (p.Ile459Met)

Gene: FRMD7 (FERM domain containing 7; minus strand). Cytogenetic location: Xq26.2.
Variant type: single nucleotide variant.
Coding change: c.1377A>G on transcript NM_194277.3 (MANE Select); coding-DNA position 1377, A replaced by G.
Protein change: p.Ile459Met; replaces isoleucine 459 with methionine.
Molecular consequence: missense variant.
Genome position (GRCh38, 1-based): chrX:132,078,640, T>C on the plus strand (A>G on the coding strand, the complement: FRMD7 is on the minus strand). VCF-style: chrX-132078640-T-C. GRCh37 (hg19) VCF-style: chrX-131212668-T-C.
Other names: c.1332A>G, p.Ile444Met (NM_001306193.2); short protein forms I459M, I444M.
Identifiers: ClinVar variation 1503664 (VCV001503664.8), dbSNP rs1927703171, ClinGen allele CA414679213.

ClinVar aggregate classification (germline): Uncertain significance (1 of 4 stars; one submission).

Allele frequency attached by ClinVar (database versions not stated): TOPMed 0.00001.

Submission:

Labcorp Genetics (formerly Invitae), Labcorp
Classification: Uncertain significance. Last evaluated: 2021-07-04. Review status: criteria provided, single submitter. Criteria: Invitae Variant Classification Sherloc (09022015). Collection method: clinical testing. Allele origin: germline.
Comment: This sequence change replaces isoleucine with methionine at codon 459 of the FRMD7 protein (p.Ile459Met). The isoleucine residue is weakly conserved and there is a small physicochemical difference between isoleucine and methionine. This variant is not present in population databases (ExAC no frequency). This variant has not been reported in the literature in individuals affected with FRMD7-related conditions. Algorithms developed to predict the effect of missense changes on protein structure and function (SIFT, PolyPhen-2, Align-GVGD) all suggest that this variant is likely to be tolerated. In summary, the available evidence is currently insufficient to determine the role of this variant in disease. Therefore, it has been classified as a Variant of Uncertain Significance.